The following is an entry in ClinVar:

ClinVar aggregate classification (germline): Conflicting classifications of pathogenicity. Review status: criteria provided, conflicting classifications (1 of 4 stars). 2 submissions from 2 submitters: Likely pathogenic (1); Uncertain significance (1). Last evaluated 2025-12-04.

Conditions:
Cardiovascular phenotype. Identifiers: MedGen CN230736.
Autosomal recessive limb-girdle muscular dystrophy type 2J (LGMDR10). Also called: Limb-girdle muscular dystrophy, type 2J; MUSCULAR DYSTROPHY, LIMB-GIRDLE, AUTOSOMAL RECESSIVE 10. Identifiers: Orphanet 140922, MedGen C1837342, MONDO:0012127, OMIM 608807.
Dilated cardiomyopathy 1G (CMD1G). Identifiers: Orphanet 154, MedGen C1858763, MONDO:0011400, OMIM 604145.

Submissions (2):

Ambry Genetics
Classification: Uncertain significance for Cardiovascular phenotype. Last evaluated: 2025-12-04. Review status: criteria provided, single submitter. Criteria: Ambry Variant Classification Scheme 2023. Collection method: clinical testing. Allele origin: germline.
Comment: The c.22150+2T>C intronic variant results from a T to C substitution two nucleotides after coding exon 89 in the TTN gene. This exon is located in the A-band region of the N2-B isoform of the titin protein and is constitutively expressed in TTN transcripts (percent spliced in or PSI 100%). This nucleotide position is highly conserved in available vertebrate species. In silico splice site analysis predicts that this alteration will weaken the native splice donor site. This variant disrupts the canonical splice site and is expected to cause aberrant splicing. However, although direct evidence is unavailable, this alteration is predicted to result in an in-frame transcript that is not expected to trigger nonsense-mediated mRNA decay. The exact functional effect of the predicted splice impact is unknown. Based on the available evidence, the clinical significance of this variant remains unclear.

Labcorp Genetics (formerly Invitae), Labcorp
Classification: Likely pathogenic for Dilated cardiomyopathy 1G; Autosomal recessive limb-girdle muscular dystrophy type 2J. Last evaluated: 2018-05-03. Review status: criteria provided, single submitter. Criteria: Invitae Variant Classification Sherloc (09022015). Collection method: clinical testing. Allele origin: germline.
Comment: In summary, the currently available evidence indicates that the variant is pathogenic, but additional data are needed to prove that conclusively. Therefore, this variant has been classified as Likely Pathogenic. This variant is located in the A band of TTN (PMID: 25589632). Truncating variants in this region are significantly overrepresented in patients affected with dilated cardiomyopathy (PMID: 25589632). Truncating variants in this region have also been reported in individuals affected with autosomal recessive centronuclear myopathy (PMID: 23975875). Algorithms developed to predict the effect of sequence changes on RNA splicing suggest that this variant may disrupt the consensus splice site, but this prediction has not been confirmed by published transcriptional studies. This variant has not been reported in the literature in individuals with TTN-related disease. This variant is not present in population databases (ExAC no frequency). This sequence change affects a donor splice site in intron 262 of the TTN gene. It is expected to disrupt RNA splicing and likely results in an absent or disrupted protein product.

Literature cited by the submitters: PubMed 25589632 (cited by Labcorp Genetics (formerly Invitae), Labcorp); PubMed 23975875 (cited by Labcorp Genetics (formerly Invitae), Labcorp).

NM_001267550.2(TTN):c.49345+2T>C

Genes: TTN-AS1 (TTN antisense RNA 1; plus strand), TTN (titin; minus strand). Cytogenetic location: 2q31.2.
Variant type: single nucleotide variant.
Coding change: c.49345+2T>C on transcript NM_001267550.2 (MANE Select); the canonical splice donor site of the intron after coding-DNA position 49345, T replaced by C.
Molecular consequence: splice donor variant. On other transcripts: non-coding transcript variant (1).
Genome position (GRCh38, 1-based): chr2:178,614,050, A>G on the plus strand (T>C on the coding strand, the complement: TTN is on the minus strand). VCF-style: chr2-178614050-A-G. GRCh37 (hg19) VCF-style: chr2-179478777-A-G.
Other names: c.22150+2T>C (NM_003319.4); c.22726+2T>C (NM_133437.4); c.22525+2T>C (NM_133432.3); c.41641+2T>C (NM_133378.4); c.44422+2T>C (NM_001256850.1).
Identifiers: ClinVar variation 576288 (VCV000576288.10), dbSNP rs1559805633, ClinGen allele CA349605138.